The following is an entry in ClinVar:

NM_170784.3(MKKS):c.1310_1311del (p.Glu437fs)

Gene: MKKS (MKKS centrosomal shuttling protein; minus strand). Cytogenetic location: 20p12.2.
Variant type: Deletion.
Coding change: c.1310_1311del on transcript NM_170784.3 (MANE Select); coding-DNA positions 1310 to 1311, 2 bases deleted (AA; older notation c.1310_1311delAA).
Protein change: p.Glu437fs; shifts the reading frame from glutamic acid 437.
Molecular consequence: frameshift variant. On other transcripts: non-coding transcript variant (1).
Genome position (GRCh38, 1-based): chr20:10,405,649-10,405,650, TT deleted on the plus strand (AA on the coding strand, the reverse complement: MKKS is on the minus strand). VCF-style (leftmost placement, unchanged base first): chr20-10405648-ATT-A. GRCh37 (hg19) VCF-style: chr20-10386296-ATT-A.
Other names: c.1310_1311delAA (NM_018848.3); c.1310_1311del, p.Glu437fs (NM_018848.3); short protein forms E437fs.
Identifiers: ClinVar variation 3385244 (VCV003385244.3).

ClinVar aggregate classification (germline): Pathogenic/Likely pathogenic. Review status: criteria provided, multiple submitters, no conflicts (2 of 4 stars). 3 submissions from 3 submitters: Pathogenic (1); Likely pathogenic (2). Last evaluated 2025-10-12.

Conditions:
Bardet-Biedl syndrome (BBS). Identifiers: Orphanet 110, MedGen C0752166, MONDO:0015229.
Autosomal recessive MKKS-related disorders.
Bardet-Biedl syndrome 6 (BBS6). Identifiers: Orphanet 110, MedGen C1858054, MONDO:0011523, OMIM 605231.
McKusick-Kaufman syndrome (MKKS). Also called: HYDROMETROCOLPOS SYNDROME; HYDROMETROCOLPOS, POSTAXIAL POLYDACTYLY, AND CONGENITAL HEART MALFORMATION. Identifiers: Orphanet 2473, MedGen C0948368, MONDO:0009367, OMIM 236700.

Submissions (3):

Variantyx, Inc.
Classification: Likely pathogenic for Autosomal recessive MKKS-related disorders. Last evaluated: 2025-10-12. Review status: criteria provided, single submitter. Criteria: Variantyx Assertion Criteria 2022. Collection method: clinical testing. Allele origin: germline. Inheritance: Autosomal recessive inheritance. Affected: no.
Comment: This is a frameshift variant in the MKKS gene (OMIM: 604896). Pathogenic variants in this gene have been associated with autosomal recessive MKKS-related disorders. This variant introduces a premature termination codon in exon 6 out of 6 and is expected to result in loss of function, which is a known disease mechanism for MKKS in this disorder (PMID: 15770229, 33138063) (PVS1). This variant has a 0.0005% maximum allele frequency in non-founder control populations (PM2). Based on the current evidence, this variant is classified as likely pathogenic for autosomal recessive MKKS-related disorders.

Women's Health and Genetics/Laboratory Corporation of America, LabCorp
Classification: Pathogenic for Bardet-Biedl syndrome. Last evaluated: 2024-10-17. Review status: criteria provided, single submitter. Criteria: LabCorp Variant Classification Summary - May 2015. Collection method: clinical testing. Allele origin: germline.
Comment: Variant summary: MKKS c.1310_1311delAA (p.Glu437ValfsX11) results in a premature termination codon, predicted to cause a truncation of the encoded protein. Variants downstream of this position (example: c.1436C>G, p.Ser479Ter) have been classified as pathogenic in HGMD/ClinVar. The variant allele was found at a frequency of 4e-06 in 251166 control chromosomes (gnomAD). To our knowledge, no occurrence of c.1310_1311delAA in individuals affected with Bardet-Biedl Syndrome and no experimental evidence demonstrating its impact on protein function have been reported. No submitters have cited clinical-significance assessments for this variant to ClinVar. Based on the evidence outlined above, the variant was classified as pathogenic.

Department of Pathology and Laboratory Medicine, Sinai Health System
Classification: Likely pathogenic for McKusick-Kaufman syndrome; Bardet-Biedl syndrome 6. Last evaluated: 2022-06-03. Review status: criteria provided, single submitter. Criteria: ACMG Guidelines, 2015. Collection method: research. Allele origin: germline.

Literature cited by the submitters: PubMed 15770229 (cited by Variantyx, Inc.); PubMed 33138063 (cited by Variantyx, Inc.).